The following is an entry in ClinVar:

NM_000130.5(F5):c.5959T>C (p.Ser1987Pro)

Gene: F5 (coagulation factor V; minus strand). Cytogenetic location: 1q24.2.
Variant type: single nucleotide variant.
Coding change: c.5959T>C on transcript NM_000130.5 (MANE Select); coding-DNA position 5959, T replaced by C.
Protein change: p.Ser1987Pro; replaces serine 1987 with proline.
Molecular consequence: missense variant.
Genome position (GRCh38, 1-based): chr1:169,523,286, A>G on the plus strand (T>C on the coding strand, the complement: F5 is on the minus strand). VCF-style: chr1-169523286-A-G. GRCh37 (hg19) VCF-style: chr1-169492524-A-G.
Other names: short protein forms S1987P.
Identifiers: ClinVar variation 1301605 (VCV001301605.2), dbSNP rs1174590593, ClinGen allele CA343123113.

ClinVar aggregate classification (germline): Uncertain significance (1 of 4 stars; one submission).

Allele frequency attached by ClinVar (database versions not stated): gnomAD exomes below 0.00001; TOPMed 0.00001.
gnomAD v4.1: 3 of 1,614,070 alleles (0.00019%); highest among the groups gnomAD compares: Non-Finnish European, 0.00025%; no homozygotes.

Submission:

Dubai Health Genomic Medicine Center, Dubai Health
Classification: Uncertain significance. Last evaluated: 2020-01-15. Review status: criteria provided, single submitter. Criteria: ACMG Guidelines, 2015. Collection method: clinical testing. Allele origin: germline. Affected: yes.
Comment: The p.Ser1987Pro missense variant in F5 has not been previousy reported in affceted individuals and was absent from large population studies such as the Genome Aggregation Database (gnomAD) and the Greater Middle Eastern (GME) variome database. Computational prediction tools and conservation analysis do not suggest and impact to protein function though this information is not predictive enough to rule out pathogenicity. In summary more information is needed to determine the clinical significane of this variant however based on the information above we lean more towards a likley benign role.